The following is an entry in ClinVar:

NM_000324.3(RHAG):c.83C>T (p.Thr28Met)

Gene: RHAG (Rh associated glycoprotein; minus strand). Cytogenetic location: 6p12.3.
Variant type: single nucleotide variant.
Coding change: c.83C>T on transcript NM_000324.3 (MANE Select); coding-DNA position 83, C replaced by T.
Protein change: p.Thr28Met; replaces threonine 28 with methionine.
Molecular consequence: missense variant.
Genome position (GRCh38, 1-based): chr6:49,636,730, G>A on the plus strand (C>T on the coding strand, the complement: RHAG is on the minus strand). VCF-style: chr6-49636730-G-A. GRCh37 (hg19) VCF-style: chr6-49604443-G-A.
Other names: p.Thr28Met; short protein forms T28M.
Identifiers: ClinVar variation 2038181 (VCV002038181.7), dbSNP rs114042395, ClinGen allele CA3848007.

ClinVar aggregate classification (germline): Likely benign. Review status: criteria provided, multiple submitters, no conflicts (2 of 4 stars). 3 submissions from 3 submitters: Likely benign (2). 1 of the submissions does not count toward it. Last evaluated 2026-01-09.

Conditions:
RHAG-related disorder. Also called: RHAG-related condition.

Allele frequency attached by ClinVar (database versions not stated): ExAC 0.00055; ESP Exome Variant Server 0.00123; gnomAD 0.00150; TOPMed 0.00155; 1000 Genomes Project 0.00160; 1000 Genomes Project 30x 0.00187.
gnomAD v4.1: 566 of 1,613,890 alleles (0.035%); highest among the groups gnomAD compares: African/African-American, 0.5%; 3 homozygotes.

Submissions (3):

Labcorp Genetics (formerly Invitae), Labcorp
Classification: Likely benign. Last evaluated: 2026-01-09. Review status: criteria provided, single submitter. Criteria: Invitae Variant Classification Sherloc (09022015). Collection method: clinical testing. Allele origin: germline.

Mayo Clinic Laboratories, Mayo Clinic
Classification: Likely benign. Last evaluated: 2025-06-17. Review status: criteria provided, single submitter. Criteria: ACMG Guidelines, 2015. Collection method: clinical testing. Allele origin: germline. Observed: 7 variant alleles.

PreventionGenetics, part of Exact Sciences
Classification: Likely benign for RHAG-related condition. Last evaluated: 2023-05-09. Review status: no assertion criteria provided. Collection method: clinical testing. Allele origin: germline. Not counted in ClinVar's aggregate classification.
Comment: This variant is classified as likely benign based on ACMG/AMP sequence variant interpretation guidelines (Richards et al. 2015 PMID: 25741868, with internal and published modifications).